The following is an entry in ClinVar:

NM_000516.7(GNAS):c.999C>T (p.Arg333=)

Gene: GNAS (GNAS complex locus; plus strand). Cytogenetic location: 20q13.32.
Variant type: single nucleotide variant.
Coding change: c.999C>T on transcript NM_000516.7 (MANE Select); coding-DNA position 999, C replaced by T.
Protein change: p.Arg333=; no amino-acid change (arginine 333 retained).
Molecular consequence: synonymous variant. On other transcripts: 3 prime UTR variant (2).
Genome position (GRCh38, 1-based): chr20:58,910,362, C>T. VCF-style: chr20-58910362-C-T. GRCh37 (hg19) VCF-style: chr20-57485417-C-T.
Other names: c.1002C>T, p.Arg334= (NM_001077488.5); c.954C>T, p.Arg318= (NM_001077489.4); c.*860C>T (NM_001077490.3); c.822C>T, p.Arg274= (NM_001309840.2, NM_001309861.2); c.*905C>T (NM_016592.5); c.2928C>T, p.Arg976= (NM_080425.4); c.957C>T, p.Arg319= (NM_080426.4); c.999C>T (NM_000516.5).
Identifiers: ClinVar variation 1664686 (VCV001664686.9), dbSNP rs777482454, ClinGen allele CA9927287.
Genomic context (GRCh38, chr20:58,910,362, plus strand): 5'-ATTACATTAATATGTATTCCCTTTTTATATAGCTACTCCCGAGCCCGGAGAGGACCCACG[C>T]GTGACCCGGGCCAAGTACTTCATTCGAGATGAGTTTCTGGTGAGTCGAGCCTGTCTTTAG-3'
Protein context (NP_000507.1, residues 323-343): DATPEPGEDP[Arg333=]VTRAKYFIRD

ClinVar aggregate classification (germline): Likely benign. Review status: criteria provided, multiple submitters, no conflicts (2 of 4 stars). 2 submissions from 2 submitters: Likely benign (2). Last evaluated 2025-12-08.

Conditions:
GNAS-related disorder. Identifiers: MedGen CN380105.

Allele frequency attached by ClinVar (database versions not stated): gnomAD 0.00001; gnomAD exomes 0.00001; TOPMed 0.00001; ExAC 0.00002.
gnomAD v4.1: 16 of 1,612,374 alleles (0.00099%); highest among the groups gnomAD compares: Admixed American, 0.0017%; no homozygotes.

Submissions (2):

Labcorp Genetics (formerly Invitae), Labcorp
Classification: Likely benign. Last evaluated: 2025-12-08. Review status: criteria provided, single submitter. Criteria: Invitae Variant Classification Sherloc (09022015). Collection method: clinical testing. Allele origin: germline.

PreventionGenetics, part of Exact Sciences
Classification: Likely benign for GNAS-related condition. Last evaluated: 2025-04-23. Review status: criteria provided, single submitter. Criteria: ACMG Guidelines, 2015. Collection method: clinical testing. Allele origin: germline.
Comment: This variant is classified as likely benign based on ACMG/AMP sequence variant interpretation guidelines (Richards et al. 2015 PMID: 25741868, with internal and published modifications).